The following is an entry in ClinVar:

ClinVar aggregate classification (germline): Uncertain significance (1 of 4 stars; one submission).

Allele frequency attached by ClinVar (database versions not stated): TOPMed below 0.00001.

Submission:

Labcorp Genetics (formerly Invitae), Labcorp
Classification: Uncertain significance. Last evaluated: 2022-05-17. Review status: criteria provided, single submitter. Criteria: Invitae Variant Classification Sherloc (09022015). Collection method: clinical testing. Allele origin: germline.
Comment: This sequence change replaces valine, which is neutral and non-polar, with methionine, which is neutral and non-polar, at codon 2758 of the DMXL2 protein (p.Val2758Met). This variant is not present in population databases (gnomAD no frequency). This variant has not been reported in the literature in individuals affected with DMXL2-related conditions. Algorithms developed to predict the effect of missense changes on protein structure and function are either unavailable or do not agree on the potential impact of this missense change (SIFT: "Tolerated"; PolyPhen-2: "Probably Damaging"; Align-GVGD: "Class C0"). In summary, the available evidence is currently insufficient to determine the role of this variant in disease. Therefore, it has been classified as a Variant of Uncertain Significance.

NM_001378457.1(DMXL2):c.8335G>A (p.Val2779Met)

Gene: DMXL2 (Dmx like 2; minus strand). Cytogenetic location: 15q21.2.
Variant type: single nucleotide variant.
Coding change: c.8335G>A on transcript NM_001378457.1 (MANE Select); coding-DNA position 8335, G replaced by A.
Protein change: p.Val2779Met; replaces valine 2779 with methionine.
Molecular consequence: missense variant. On other transcripts: non-coding transcript variant (2).
Genome position (GRCh38, 1-based): chr15:51,457,330, C>T on the plus strand (G>A on the coding strand, the complement: DMXL2 is on the minus strand). VCF-style: chr15-51457330-C-T. GRCh37 (hg19) VCF-style: chr15-51749527-C-T.
Other names: c.8272G>A, p.Val2758Met (NM_001174116.3); c.6361G>A, p.Val2121Met (NM_001174117.3); c.8332G>A, p.Val2778Met (NM_001378458.1); c.8047G>A, p.Val2683Met (NM_001378459.1); c.6250G>A, p.Val2084Met (NM_001378460.1); c.8269G>A, p.Val2757Met (NM_015263.5); short protein forms V2121M, V2683M, V2757M, V2778M, V2779M, V2084M, V2758M.
Identifiers: ClinVar variation 1992442 (VCV001992442.4), dbSNP rs2039716427, ClinGen allele CA392436128.